The following is an entry in ClinVar:

ClinVar aggregate classification (germline): Conflicting classifications of pathogenicity. Review status: criteria provided, conflicting classifications (1 of 4 stars). 3 submissions from 3 submitters: Uncertain significance (1); Likely benign (2). Last evaluated 2024-06-14.

Conditions:
Nephrolithiasis/nephrocalcinosis. Identifiers: MedGen CN580796.
Dent disease type 2. Identifiers: Orphanet 1652, Orphanet 93623, MedGen C1845167, MONDO:0010359, OMIM 300555.
Lowe syndrome (OCRL). Also called: Oculocerebrorenal Syndrome; LOWE OCULOCEREBRORENAL SYNDROME; PHOSPHATIDYLINOSITOL 4,5-BISPHOSPHATE 5-PHOSPHATASE DEFICIENCY. Identifiers: Orphanet 534, MedGen C0028860, MONDO:0010645, OMIM 309000.

Allele frequency attached by ClinVar (database versions not stated): gnomAD exomes 0.00001; TOPMed 0.00002; ExAC 0.00003; gnomAD 0.00004; ESP Exome Variant Server 0.00019.
gnomAD v4.1: 10 of 1,209,636 alleles (0.00083%); highest among the groups gnomAD compares: Non-Finnish European, 0.0011%; no homozygotes.

Submissions (3):

Fulgent Genetics
Classification: Likely benign for Dent disease type 2; Lowe syndrome. Last evaluated: 2024-06-14. Review status: criteria provided, single submitter. Criteria: ACMG Guidelines, 2015. Collection method: clinical testing. Allele origin: germline.

Labcorp Genetics (formerly Invitae), Labcorp
Classification: Uncertain significance for Lowe syndrome. Last evaluated: 2023-11-04. Review status: criteria provided, single submitter. Criteria: Invitae Variant Classification Sherloc (09022015). Collection method: clinical testing. Allele origin: germline.
Comment: This sequence change affects codon 489 of the OCRL mRNA. It is a 'silent' change, meaning that it does not change the encoded amino acid sequence of the OCRL protein. It affects a nucleotide within the consensus splice site. This variant is present in population databases (rs142398161, gnomAD 0.004%). This variant has not been reported in the literature in individuals affected with OCRL-related conditions. ClinVar contains an entry for this variant (Variation ID: 1487072). Algorithms developed to predict the effect of sequence changes on RNA splicing suggest that this variant is not likely to affect RNA splicing. In summary, the available evidence is currently insufficient to determine the role of this variant in disease. Therefore, it has been classified as a Variant of Uncertain Significance.

Ambry Genetics
Classification: Likely benign for Nephrolithiasis/nephrocalcinosis. Last evaluated: 2018-08-17. Review status: criteria provided, single submitter. Criteria: Ambry Variant Classification Scheme 2023. Collection method: clinical testing. Allele origin: germline.

NM_000276.4(OCRL):c.1467T>C (p.Ser489=)

Gene: OCRL (OCRL inositol polyphosphate-5-phosphatase; plus strand). Cytogenetic location: Xq26.1.
Variant type: single nucleotide variant.
Coding change: c.1467T>C on transcript NM_000276.4 (MANE Select); coding-DNA position 1467, T replaced by C.
Protein change: p.Ser489=; no amino-acid change (serine 489 retained).
Molecular consequence: synonymous variant.
Genome position (GRCh38, 1-based): chrX:129,569,264, T>C. VCF-style: chrX-129569264-T-C. GRCh37 (hg19) VCF-style: chrX-128703241-T-C.
Other names: c.1470T>C, p.Ser490= (NM_001318784.2); c.1467T>C, p.Ser489= (NM_001587.4).
Identifiers: ClinVar variation 1487072 (VCV001487072.8), dbSNP rs142398161, ClinGen allele CA10512200.